The following is an entry in ClinVar:

NM_002547.3(OPHN1):c.931C>T (p.Gln311Ter)

Gene: OPHN1 (oligophrenin 1; minus strand). Cytogenetic location: Xq12.
Variant type: single nucleotide variant.
Coding change: c.931C>T on transcript NM_002547.3 (MANE Select); coding-DNA position 931, C replaced by T.
Protein change: p.Gln311Ter; replaces glutamine 311 with a stop codon.
Molecular consequence: nonsense.
Genome position (GRCh38, 1-based): chrX:68,206,575, G>A on the plus strand (C>T on the coding strand, the complement: OPHN1 is on the minus strand). VCF-style: chrX-68206575-G-A. GRCh37 (hg19) VCF-style: chrX-67426417-G-A.
Other names: short protein forms Q311*.
Identifiers: ClinVar variation 2637016 (VCV002637016.1), dbSNP rs2519799321, ClinGen allele CA413433503.
Genomic context (GRCh38, chrX:68,206,575, plus strand): 5'-TTTTCTGAGAAACAGTCATAGATCCATTTCCAAAAATATGGTGCAAACAAGAACTGACCT[G>A]CTTAGCACCTGGCTTCTGCTCCATAGGCGTCATGGTCAGTGTTTTGGTCTCTTTCTCATA-3'

ClinVar aggregate classification (germline): Likely pathogenic (1 of 4 stars; one submission).

Conditions:
OPHN1-related disorder.

Submission:

PreventionGenetics, part of Exact Sciences
Classification: Likely pathogenic for OPHN1-related condition. Last evaluated: 2022-10-17. Review status: criteria provided, single submitter. Criteria: ACMG Guidelines, 2015. Collection method: clinical testing. Allele origin: germline.
Comment: The OPHN1 c.931C>T variant is predicted to result in premature protein termination (p.Gln311*). To our knowledge, this variant has not been reported in the literature or in a large population database, indicating this variant is rare. Nonsense variants in OPHN1 are expected to be pathogenic, and therefore we interpret c.931C>T (p.Gln311*) as likely pathogenic.